The following is an entry in ClinVar:

ClinVar aggregate classification (germline): Likely benign (1 of 4 stars; one submission).

Allele frequency attached by ClinVar (database versions not stated): gnomAD exomes below 0.00001; TOPMed below 0.00001; gnomAD 0.00001.
gnomAD v4.1: 8 of 1,614,062 alleles (0.0005%); highest among the groups gnomAD compares: Non-Finnish European, 0.00059%; no homozygotes.

Submission:

CeGaT Center for Human Genetics Tuebingen
Classification: Likely benign. Last evaluated: 2022-09-01. Review status: criteria provided, single submitter. Criteria: CeGaT Center For Human Genetics Tuebingen Variant Classification Criteria Version 2. Collection method: clinical testing. Allele origin: germline. Affected: yes. Observed: 1 variant allele.
Comment: DNAH17: BP4, BP7

NM_173628.4(DNAH17):c.3921G>A (p.Glu1307=)

Gene: DNAH17 (dynein axonemal heavy chain 17; minus strand). Cytogenetic location: 17q25.3.
Variant type: single nucleotide variant.
Coding change: c.3921G>A on transcript NM_173628.4 (MANE Select); coding-DNA position 3921, G replaced by A.
Protein change: p.Glu1307=; no amino-acid change (glutamic acid 1307 retained).
Molecular consequence: synonymous variant.
Genome position (GRCh38, 1-based): chr17:78,514,966, C>T on the plus strand (G>A on the coding strand, the complement: DNAH17 is on the minus strand). VCF-style: chr17-78514966-C-T. GRCh37 (hg19) VCF-style: chr17-76511048-C-T.
Identifiers: ClinVar variation 2648371 (VCV002648371.24), dbSNP rs995080346, ClinGen allele CA294404334.